The following is an entry in ClinVar:

ClinVar aggregate classification (germline): Uncertain significance (1 of 4 stars; one submission).

gnomAD v4.1: 1 of 1,613,220 alleles (0.000062%); no homozygotes.

Submission:

Laboratory for Molecular Medicine, Mass General Brigham Personalized Medicine
Classification: Uncertain significance. Last evaluated: 2012-08-14. Review status: criteria provided, single submitter. Criteria: LMM Criteria. Collection method: clinical testing. Allele origin: germline. Observed: 1 variant allele.
Comment: The Ala1365Asp variant in GPR98 has not been reported in the literature nor prev iously identified by our laboratory. Computational analyses (biochemical amino a cid properties, conservation, AlignGVGD, PolyPhen2, and SIFT) do not provide str ong support for or against an impact to the protein. In summary, the clinical si gnificance of this variant cannot be determined with certainty.

NM_032119.4(ADGRV1):c.4094C>A (p.Ala1365Asp)

Gene: ADGRV1 (adhesion G protein-coupled receptor V1; plus strand). Cytogenetic location: 5q14.3.
Variant type: single nucleotide variant.
Coding change: c.4094C>A on transcript NM_032119.4 (MANE Select); coding-DNA position 4094, C replaced by A.
Protein change: p.Ala1365Asp; replaces alanine 1365 with aspartic acid.
Molecular consequence: missense variant. On other transcripts: non-coding transcript variant (1).
Genome position (GRCh38, 1-based): chr5:90,653,668, C>A. VCF-style: chr5-90653668-C-A. GRCh37 (hg19) VCF-style: chr5-89949485-C-A.
Other names: short protein forms A1365D.
Identifiers: ClinVar variation 46323 (VCV000046323.4), dbSNP rs397517430, ClinGen allele CA138120.